The following is an entry in ClinVar:

ClinVar aggregate classification (germline): Uncertain significance (1 of 4 stars; one submission).

Conditions:
Spastic paraplegia. Identifiers: MedGen C0037772, HP:0001258.

Submission:

Labcorp Genetics (formerly Invitae), Labcorp
Classification: Uncertain significance for Spastic paraplegia. Last evaluated: 2022-07-06. Review status: criteria provided, single submitter. Criteria: Invitae Variant Classification Sherloc (09022015). Collection method: clinical testing. Allele origin: germline.
Comment: This sequence change replaces serine, which is neutral and polar, with asparagine, which is neutral and polar, at codon 3722 of the SACS protein (p.Ser3722Asn). This variant is not present in population databases (gnomAD no frequency). This variant has not been reported in the literature in individuals affected with SACS-related conditions. Advanced modeling of protein sequence and biophysical properties (such as structural, functional, and spatial information, amino acid conservation, physicochemical variation, residue mobility, and thermodynamic stability) performed at Invitae indicates that this missense variant is not expected to disrupt SACS protein function. In summary, the available evidence is currently insufficient to determine the role of this variant in disease. Therefore, it has been classified as a Variant of Uncertain Significance.

NM_014363.6(SACS):c.11165G>A (p.Ser3722Asn)

Gene: SACS (sacsin molecular chaperone; minus strand). Cytogenetic location: 13q12.12.
Variant type: single nucleotide variant.
Coding change: c.11165G>A on transcript NM_014363.6 (MANE Select); coding-DNA position 11165, G replaced by A.
Protein change: p.Ser3722Asn; replaces serine 3722 with asparagine.
Molecular consequence: missense variant.
Genome position (GRCh38, 1-based): chr13:23,332,711, C>T on the plus strand (G>A on the coding strand, the complement: SACS is on the minus strand). VCF-style: chr13-23332711-C-T. GRCh37 (hg19) VCF-style: chr13-23906850-C-T.
Other names: c.10724G>A, p.Ser3575Asn (NM_001278055.2); short protein forms S3575N, S3722N.
Identifiers: ClinVar variation 1994352 (VCV001994352.1), dbSNP rs2542174159, ClinGen allele CA387510594.